The following is an entry in ClinVar:

ClinVar aggregate classification (germline): Uncertain significance (1 of 4 stars; one submission).

Allele frequency attached by ClinVar (database versions not stated): gnomAD exomes 0.00002; TOPMed 0.00017; gnomAD 0.00026.
gnomAD v4.1: 51 of 1,613,430 alleles (0.0032%); highest among the groups gnomAD compares: Admixed American, 0.085%; no homozygotes.

Submission:

Labcorp Genetics (formerly Invitae), Labcorp
Classification: Uncertain significance. Last evaluated: 2023-01-09. Review status: criteria provided, single submitter. Criteria: Invitae Variant Classification Sherloc (09022015). Collection method: clinical testing. Allele origin: germline.
Comment: In summary, the available evidence is currently insufficient to determine the role of this variant in disease. Therefore, it has been classified as a Variant of Uncertain Significance. Advanced modeling of protein sequence and biophysical properties (such as structural, functional, and spatial information, amino acid conservation, physicochemical variation, residue mobility, and thermodynamic stability) performed at Invitae indicates that this missense variant is expected to disrupt DOCK6 protein function. This variant has not been reported in the literature in individuals affected with DOCK6-related conditions. This variant is present in population databases (no rsID available, gnomAD 0.04%). This sequence change replaces alanine, which is neutral and non-polar, with threonine, which is neutral and polar, at codon 913 of the DOCK6 protein (p.Ala913Thr).

NM_020812.4(DOCK6):c.2737G>A (p.Ala913Thr)

Gene: DOCK6 (dedicator of cytokinesis 6; minus strand). Cytogenetic location: 19p13.2.
Variant type: single nucleotide variant.
Coding change: c.2737G>A on transcript NM_020812.4 (MANE Select); coding-DNA position 2737, G replaced by A.
Protein change: p.Ala913Thr; replaces alanine 913 with threonine.
Molecular consequence: missense variant.
Genome position (GRCh38, 1-based): chr19:11,229,017, C>T on the plus strand (G>A on the coding strand, the complement: DOCK6 is on the minus strand). VCF-style: chr19-11229017-C-T. GRCh37 (hg19) VCF-style: chr19-11339693-C-T.
Other names: c.2842G>A, p.Ala948Thr (NM_001367830.1); short protein forms A948T, A913T.
Identifiers: ClinVar variation 2919311 (VCV002919311.1), dbSNP rs1181913438, ClinGen allele CA404094169.